The following is an entry in ClinVar:

ClinVar aggregate classification (germline): Uncertain significance (1 of 4 stars; one submission).

Conditions:
Inborn genetic diseases. Identifiers: MedGen C0950123, MeSH D030342.

gnomAD v4.1: 8 of 1,612,934 alleles (0.0005%); highest among the groups gnomAD compares: Non-Finnish European, 0.00068%; no homozygotes.

Submission:

Ambry Genetics
Classification: Uncertain significance for Inborn genetic diseases. Last evaluated: 2025-01-23. Review status: criteria provided, single submitter. Criteria: Ambry Variant Classification Scheme 2023. Collection method: clinical testing. Allele origin: germline.
Comment: The c.5991+3A>G intronic alteration results from an A to G substitution 3 nucleotides after coding exon 45 of the VPS13A gene. This variant was not reported in population-based cohorts in the Genome Aggregation Database (gnomAD). This nucleotide position is highly conserved in available vertebrate species. In silico splice site analysis predicts that this alteration will weaken the native splice donor site. Based on insufficient or conflicting evidence, the clinical significance of this alteration remains unclear.

NM_033305.3(VPS13A):c.5991+3A>G

Gene: VPS13A (vacuolar protein sorting 13 homolog A; plus strand). Cytogenetic location: 9q21.2.
Variant type: single nucleotide variant.
Coding change: c.5991+3A>G on transcript NM_033305.3 (MANE Select); 3 bases into the intron after coding-DNA position 5991, A replaced by G.
Molecular consequence: intron variant.
Genome position (GRCh38, 1-based): chr9:77,323,230, A>G. VCF-style: chr9-77323230-A-G. GRCh37 (hg19) VCF-style: chr9-79938146-A-G.
Other names: c.5874+3A>G (NM_001018037.2); c.5991+3A>G (NM_015186.4, NM_001018038.3).
Identifiers: ClinVar variation 3815098 (VCV003815098.1).
Genomic context (GRCh38, chr9:77,323,230, plus strand): 5'-TTGTCAAATTGATACAGTAGAAGGAAGTAAGAAGGTCACAATTCGCTCCCCAGTGCAGGT[A>G]TGAAATGATCAATTTTGGGGGATGTCCTGTTATGCATATCTGTGTGCTAATAAAATTAAA-3'